The following is an entry in ClinVar:

NM_018714.3(COG1):c.427G>A (p.Ala143Thr)

Gene: COG1 (component of oligomeric golgi complex 1; plus strand). Cytogenetic location: 17q25.1.
Variant type: single nucleotide variant.
Coding change: c.427G>A on transcript NM_018714.3 (MANE Select); coding-DNA position 427, G replaced by A.
Protein change: p.Ala143Thr; replaces alanine 143 with threonine.
Molecular consequence: missense variant.
Genome position (GRCh38, 1-based): chr17:73,196,618, G>A. VCF-style: chr17-73196618-G-A. GRCh37 (hg19) VCF-style: chr17-71192757-G-A.
Other names: c.427G>A (NM_018714.2); short protein forms A143T.
Identifiers: ClinVar variation 1008127 (VCV001008127.7), dbSNP rs747933899, ClinGen allele CA8739963.

ClinVar aggregate classification (germline): Uncertain significance. Review status: criteria provided, multiple submitters, no conflicts (2 of 4 stars). 2 submissions from 2 submitters: Uncertain significance (2). Last evaluated 2025-06-18.

Conditions:
COG1 congenital disorder of glycosylation (CDG2G). Also called: CONGENITAL DISORDER OF GLYCOSYLATION, TYPE IIg; CDG IIg; CDGII/COG1 CEREBROCOSTOMANDIBULAR-LIKE SYNDROME. Identifiers: Orphanet 263508, MedGen C2931011, MONDO:0012637, OMIM 611209.
Inborn genetic diseases. Identifiers: MedGen C0950123, MeSH D030342.

Allele frequency attached by ClinVar (database versions not stated): gnomAD exomes below 0.00001; ExAC 0.00001; gnomAD 0.00003 and 0.00004; TOPMed 0.00005.
gnomAD v4.1: 13 of 1,614,048 alleles (0.00081%); highest among the groups gnomAD compares: African/African-American, 0.008%; no homozygotes.

Submissions (2):

Ambry Genetics
Classification: Uncertain significance for Inborn genetic diseases. Last evaluated: 2025-06-18. Review status: criteria provided, single submitter. Criteria: Ambry Variant Classification Scheme 2023. Collection method: clinical testing. Allele origin: germline.

Labcorp Genetics (formerly Invitae), Labcorp
Classification: Uncertain significance for COG1 congenital disorder of glycosylation. Last evaluated: 2023-06-13. Review status: criteria provided, single submitter. Criteria: Invitae Variant Classification Sherloc (09022015). Collection method: clinical testing. Allele origin: germline.
Comment: In summary, the available evidence is currently insufficient to determine the role of this variant in disease. Therefore, it has been classified as a Variant of Uncertain Significance. Advanced modeling of protein sequence and biophysical properties (such as structural, functional, and spatial information, amino acid conservation, physicochemical variation, residue mobility, and thermodynamic stability) performed at Invitae indicates that this missense variant is expected to disrupt COG1 protein function. ClinVar contains an entry for this variant (Variation ID: 1008127). This variant has not been reported in the literature in individuals affected with COG1-related conditions. This variant is present in population databases (rs747933899, gnomAD 0.007%). This sequence change replaces alanine, which is neutral and non-polar, with threonine, which is neutral and polar, at codon 143 of the COG1 protein (p.Ala143Thr).